The following is an entry in ClinVar:

ClinVar aggregate classification (germline): Benign (1 of 4 stars; one submission).

Conditions:
Spondyloepiphyseal dysplasia tarda (SEDT). Also called: SPONDYLOEPIPHYSEAL DYSPLASIA, LATE. Identifiers: Orphanet 93284, MedGen CN033239, MONDO:0019667.

Allele frequency attached by ClinVar (database versions not stated): TOPMed 0.00019; gnomAD 0.00034 and 0.00035; 1000 Genomes Project 0.00053; 1000 Genomes Project 30x 0.00062.
gnomAD v4.1: 37 of 107,875 alleles (0.034%); highest among the groups gnomAD compares: African/African-American, 0.12%; no homozygotes.

Submission:

Illumina Laboratory Services, Illumina
Classification: Benign for Spondyloepiphyseal dysplasia tarda, X-linked. Last evaluated: 2018-01-12. Review status: criteria provided, single submitter. Criteria: ICSL Variant Classification Criteria 13 December 2019. Collection method: clinical testing. Allele origin: germline.
Comment: This variant was observed in the ICSL laboratory as part of a predisposition screen in an ostensibly healthy population. It had not been previously curated by ICSL or reported in the Human Gene Mutation Database (HGMD: prior to June 1st, 2018), and was therefore a candidate for classification through an automated scoring system. Utilizing variant allele frequency, disease prevalence and penetrance estimates, and inheritance mode, an automated score was calculated to assess if this variant is too frequent to cause the disease. Based on the score and internal cut-off values, a variant classified as benign is not then subjected to further curation. The score for this variant resulted in a classification of benign for this disease.

NM_001011658.4(TRAPPC2):c.*546G>A

Gene: TRAPPC2 (trafficking protein particle complex subunit 2; minus strand). Cytogenetic location: Xp22.2.
Variant type: single nucleotide variant.
Coding change: c.*546G>A on transcript NM_001011658.4 (MANE Select); 546 bases downstream of the stop codon, G replaced by A.
Molecular consequence: 3 prime UTR variant.
Genome position (GRCh38, 1-based): chrX:13,713,861, C>T on the plus strand (G>A on the coding strand, the complement: TRAPPC2 is on the minus strand). VCF-style: chrX-13713861-C-T. GRCh37 (hg19) VCF-style: chrX-13731980-C-T.
Other names: c.*546G>A (NM_001128835.3, NM_014563.6).
Identifiers: ClinVar variation 914538 (VCV000914538.4), dbSNP rs777240291, ClinGen allele CA326090753.
Genomic context (GRCh38, chrX:13,713,861, plus strand): 5'-AGACTCCATCTCAAAAAAAAAAAAAGCGAGCTTATTCCCAATTTTTAAGTAAAAATATTT[C>T]ATGGTTGGGCACGGTGGCTCACGCCTGTAATCCCAGTACTTTGGGAGGCCAAGGCGGGCA-3'